The following is an entry in ClinVar:

NM_001972.4(ELANE):c.190T>C (p.Phe64Leu)

Gene: ELANE (elastase, neutrophil expressed; plus strand). Cytogenetic location: 19p13.3.
Variant type: single nucleotide variant.
Coding change: c.190T>C on transcript NM_001972.4 (MANE Select); coding-DNA position 190, T replaced by C.
Protein change: p.Phe64Leu; replaces phenylalanine 64 with leucine.
Molecular consequence: missense variant.
Genome position (GRCh38, 1-based): chr19:852,998, T>C. VCF-style: chr19-852998-T-C. GRCh37 (hg19) VCF-style: chr19-852998-T-C.
Other names: short protein forms F64L.
Identifiers: ClinVar variation 4788053 (VCV004788053.1).

ClinVar aggregate classification (germline): Uncertain significance (1 of 4 stars; one submission).

Conditions:
Neutropenia, severe congenital, 1, autosomal dominant. Identifiers: MedGen C1859966, MONDO:0042490, OMIM 202700.
Cyclical neutropenia. Also called: Cyclic hematopoiesis; Cyclic Neutropenia. Identifiers: Orphanet 2686, MedGen C0221023, MONDO:0008090, OMIM 162800, HP:0040289. Disease mechanism: loss of function.

Submission:

Labcorp Genetics (formerly Invitae), Labcorp
Classification: Uncertain significance for Neutropenia, severe congenital, 1, autosomal dominant; Cyclical neutropenia. Last evaluated: 2025-08-30. Review status: criteria provided, single submitter. Criteria: Invitae Variant Classification Sherloc (09022015). Collection method: clinical testing. Allele origin: germline.
Comment: This sequence change replaces phenylalanine, which is neutral and non-polar, with leucine, which is neutral and non-polar, at codon 64 of the ELANE protein (p.Phe64Leu). This variant is not present in population databases (gnomAD no frequency). This variant has not been reported in the literature in individuals affected with ELANE-related conditions. Invitae Evidence Modeling of protein sequence and biophysical properties (such as structural, functional, and spatial information, amino acid conservation, physicochemical variation, residue mobility, and thermodynamic stability) has been performed for this missense variant. However, the output from this modeling did not meet the statistical confidence thresholds required to predict the impact of this variant on ELANE protein function. In summary, the available evidence is currently insufficient to determine the role of this variant in disease. Therefore, it has been classified as a Variant of Uncertain Significance.